The following is an entry in ClinVar:

ClinVar aggregate classification (germline): Conflicting classifications of pathogenicity. Review status: criteria provided, conflicting classifications (1 of 4 stars). 3 submissions from 3 submitters: Uncertain significance (2); Likely benign (1). Last evaluated 2025-07-06.

Conditions:
FREM1-related disorder. Also called: FREM1-related condition; FREM1-Related Disorders.
Inborn genetic diseases. Identifiers: MedGen C0950123, MeSH D030342.

Allele frequency attached by ClinVar (database versions not stated): gnomAD 0.00012; gnomAD exomes 0.00018; TOPMed 0.00018; ExAC 0.00020; ESP Exome Variant Server 0.00024.
gnomAD v4.1: 280 of 1,613,834 alleles (0.017%); highest among the groups gnomAD compares: Non-Finnish European, 0.023%; no homozygotes.

Submissions (3):

PreventionGenetics, part of Exact Sciences
Classification: Uncertain significance for FREM1-related condition. Last evaluated: 2025-07-06. Review status: criteria provided, single submitter. Criteria: ACMG Guidelines, 2015. Collection method: clinical testing. Allele origin: germline.
Comment: The FREM1 c.3619G>C variant is predicted to result in the amino acid substitution p.Glu1207Gln. To our knowledge, this variant has not been reported in the literature. This variant is reported in 0.030% of alleles in individuals of European (Non-Finnish) descent in gnomAD. At this time, the clinical significance of this variant is uncertain due to the absence of conclusive functional and genetic evidence.

Labcorp Genetics (formerly Invitae), Labcorp
Classification: Uncertain significance. Last evaluated: 2024-03-01. Review status: criteria provided, single submitter. Criteria: Invitae Variant Classification Sherloc (09022015). Collection method: clinical testing. Allele origin: germline.
Comment: This sequence change replaces glutamic acid, which is acidic and polar, with glutamine, which is neutral and polar, at codon 1207 of the FREM1 protein (p.Glu1207Gln). This variant is present in population databases (rs61744094, gnomAD 0.03%). This variant has not been reported in the literature in individuals affected with FREM1-related conditions. ClinVar contains an entry for this variant (Variation ID: 2170286). Algorithms developed to predict the effect of missense changes on protein structure and function output the following: SIFT: "Not Available"; PolyPhen-2: "Benign"; Align-GVGD: "Not Available". The glutamine amino acid residue is found in multiple mammalian species, which suggests that this missense change does not adversely affect protein function. In summary, the available evidence is currently insufficient to determine the role of this variant in disease. Therefore, it has been classified as a Variant of Uncertain Significance.

Ambry Genetics
Classification: Likely benign for Inborn genetic diseases. Last evaluated: 2023-04-19. Review status: criteria provided, single submitter. Criteria: Ambry Variant Classification Scheme 2023. Collection method: clinical testing. Allele origin: germline.

NM_001379081.2(FREM1):c.3619G>C (p.Glu1207Gln)

Gene: FREM1 (FRAS1 related extracellular matrix 1; minus strand). Cytogenetic location: 9p22.3.
Variant type: single nucleotide variant.
Coding change: c.3619G>C on transcript NM_001379081.2 (MANE Select); coding-DNA position 3619, G replaced by C.
Protein change: p.Glu1207Gln; replaces glutamic acid 1207 with glutamine.
Molecular consequence: missense variant. On other transcripts: non-coding transcript variant (2).
Genome position (GRCh38, 1-based): chr9:14,801,727, C>G on the plus strand (G>C on the coding strand, the complement: FREM1 is on the minus strand). VCF-style: chr9-14801727-C-G. GRCh37 (hg19) VCF-style: chr9-14801725-C-G.
Other names: c.3619G>C (NM_144966.5); c.3619G>C, p.Glu1207Gln (NM_144966.7); short protein forms E1207Q.
Identifiers: ClinVar variation 2170286 (VCV002170286.6), dbSNP rs61744094, ClinGen allele CA4990481.